The following is an entry in ClinVar:

ClinVar aggregate classification (germline): Uncertain significance (1 of 4 stars; one submission).

Conditions:
Hereditary cancer-predisposing syndrome. Also called: Neoplastic Syndromes, Hereditary; Tumor predisposition; Hereditary neoplastic syndrome; Hereditary Cancer Syndrome. Identifiers: Orphanet 140162, MedGen C0027672, MeSH D009386, MONDO:0015356.

Submission:

Color Diagnostics, LLC DBA Color Health
Classification: Uncertain significance for Hereditary cancer-predisposing syndrome. Last evaluated: 2023-12-04. Review status: criteria provided, single submitter. Criteria: ACMG Guidelines, 2015. Collection method: clinical testing. Allele origin: germline.
Comment: This missense variant replaces leucine with valine at codon 1083 of the BRIP1 protein. Computational prediction suggests that this variant may not impact protein structure and function (internally defined REVEL score threshold <= 0.5, PMID: 27666373). To our knowledge, functional studies have not been reported for this variant. This variant has not been reported in individuals affected with BRIP1-related disorders in the literature. This variant has not been identified in the general population by the Genome Aggregation Database (gnomAD). The available evidence is insufficient to determine the role of this variant in disease conclusively. Therefore, this variant is classified as a Variant of Uncertain Significance.

NM_032043.3(BRIP1):c.3247C>G (p.Leu1083Val)

Gene: BRIP1 (BRCA1 interacting DNA helicase 1; minus strand). Cytogenetic location: 17q23.2.
Variant type: single nucleotide variant.
Coding change: c.3247C>G on transcript NM_032043.3 (MANE Select); coding-DNA position 3247, C replaced by G.
Protein change: p.Leu1083Val; replaces leucine 1083 with valine.
Molecular consequence: missense variant.
Genome position (GRCh38, 1-based): chr17:61,683,799, G>C on the plus strand (C>G on the coding strand, the complement: BRIP1 is on the minus strand). VCF-style: chr17-61683799-G-C. GRCh37 (hg19) VCF-style: chr17-59761160-G-C.
Other names: short protein forms L1083V.
Identifiers: ClinVar variation 628729 (VCV000628729.5), dbSNP rs1567728614, ClinGen allele CA400479139.
Genomic context (GRCh38, chr17:61,683,799, plus strand): 5'-TGTCTGGATCCAGGGCTTCTTCAGAACAGAGCGGATGTTCAGAATGATTTTTTCTAGTAA[G>C]GGTGGCATCAATCTTTAATGATGAAATAATGGTTTCTGATTGAGGGCATGATCCAAACGA-3'
Protein context (NP_114432.2, residues 1073-1093): IISSLKIDAT[Leu1083Val]TRKNHSEHPL